The following is an entry in ClinVar:

NM_001365276.2(TNXB):c.2945C>T (p.Thr982Ile)

Gene: TNXB (tenascin XB; minus strand). Cytogenetic location: 6p21.33.
Variant type: single nucleotide variant.
Coding change: c.2945C>T on transcript NM_001365276.2 (MANE Select); coding-DNA position 2945, C replaced by T.
Protein change: p.Thr982Ile; replaces threonine 982 with isoleucine.
Molecular consequence: missense variant.
Genome position (GRCh38, 1-based): chr6:32,085,953, G>A on the plus strand (C>T on the coding strand, the complement: TNXB is on the minus strand). VCF-style: chr6-32085953-G-A. GRCh37 (hg19) VCF-style: chr6-32053730-G-A.
Other names: p.Thr982Ile; c.2945C>T, p.Thr982Ile (NM_019105.8); short protein forms T982I.
Identifiers: ClinVar variation 1215797 (VCV001215797.17), dbSNP rs199569974, ClinGen allele CA3735289.

ClinVar aggregate classification (germline): Likely benign. Review status: criteria provided, multiple submitters, no conflicts (2 of 4 stars). 6 submissions from 6 submitters: Likely benign (5). 1 of the submissions does not count toward it. Last evaluated 2026-01-24.

Conditions:
TNXB-related disorder. Also called: TNXB-related condition.
Cardiovascular phenotype. Identifiers: MedGen CN230736.

Allele frequency attached by ClinVar (database versions not stated): gnomAD exomes 0.00012 and 0.00034; ExAC 0.00037; 1000 Genomes Project 0.00040; 1000 Genomes Project 30x 0.00047; gnomAD 0.00129 and 0.00146; TOPMed 0.00145; ESP Exome Variant Server 0.00154.
gnomAD v4.1: 376 of 1,608,292 alleles (0.023%); highest among the groups gnomAD compares: African/African-American, 0.45%; no homozygotes.

Submissions (6):

Labcorp Genetics (formerly Invitae), Labcorp
Classification: Likely benign. Last evaluated: 2026-01-24. Review status: criteria provided, single submitter. Criteria: Invitae Variant Classification Sherloc (09022015). Collection method: clinical testing. Allele origin: germline.

Mayo Clinic Laboratories, Mayo Clinic
Classification: Likely benign. Last evaluated: 2025-10-10. Review status: criteria provided, single submitter. Criteria: ACMG Guidelines, 2015. Collection method: clinical testing. Allele origin: germline. Observed: 1 variant allele.
Comment: BS1, BP4_moderate

Women's Health and Genetics/Laboratory Corporation of America, LabCorp
Classification: Likely benign. Last evaluated: 2025-10-03. Review status: criteria provided, single submitter. Criteria: LabCorp Variant Classification Summary - May 2015. Collection method: clinical testing. Allele origin: germline.
Comment: Variant summary: TNXB c.2945C>T (p.Thr982Ile) results in a non-conservative amino acid change in the encoded protein sequence. Algorithms developed to predict the effect of missense changes on protein structure and function are either unavailable or do not agree on the potential impact of this missense change. The variant allele was found at a frequency of 0.00034 in 243724 control chromosomes, predominantly at a frequency of 0.005 within the African or African-American subpopulation in the gnomAD database. The observed variant frequency within African or African-American control individuals in the gnomAD database exceeds the estimated maximal expected allele frequency for disease-causing variants in TNXB. To our knowledge, no occurrence of c.2945C>T in individuals affected with TNXB-related conditions and no experimental evidence demonstrating its impact on protein function have been reported. ClinVar contains an entry for this variant (Variation ID: 1215797). Based on the evidence outlined above, the variant was classified as likely benign.

Ambry Genetics
Classification: Likely benign for Cardiovascular phenotype. Last evaluated: 2025-08-12. Review status: criteria provided, single submitter. Criteria: Ambry Variant Classification Scheme 2023. Collection method: clinical testing. Allele origin: germline.

GeneDx
Classification: Likely benign. Last evaluated: 2023-11-28. Review status: criteria provided, single submitter. Criteria: GeneDx Variant Classification Process June 2021. Collection method: clinical testing. Allele origin: germline. Affected: yes.
Comment: See Variant Classification Assertion Criteria.

PreventionGenetics, part of Exact Sciences
Classification: Likely benign for TNXB-related condition. Last evaluated: 2019-10-04. Review status: no assertion criteria provided. Collection method: clinical testing. Allele origin: germline. Not counted in ClinVar's aggregate classification.
Comment: This variant is classified as likely benign based on ACMG/AMP sequence variant interpretation guidelines (Richards et al. 2015 PMID: 25741868, with internal and published modifications).